The following is an entry in ClinVar:

NM_206933.4(USH2A):c.14838_14839del (p.Val4949fs)

Gene: USH2A (usherin; minus strand). Cytogenetic location: 1q41.
Variant type: Deletion.
Coding change: c.14838_14839del on transcript NM_206933.4 (MANE Select); coding-DNA positions 14838 to 14839, 2 bases deleted (GG; older notation c.14838_14839delGG).
Protein change: p.Val4949fs; shifts the reading frame from valine 4949.
Molecular consequence: frameshift variant.
Genome position (GRCh38, 1-based): chr1:215,640,687-215,640,688, CC deleted on the plus strand (GG on the coding strand, the reverse complement: USH2A is on the minus strand). VCF-style (leftmost placement, unchanged base first): chr1-215640686-ACC-A. GRCh37 (hg19) VCF-style: chr1-215814028-ACC-A.
Other names: short protein forms V4949fs.
Identifiers: ClinVar variation 1422152 (VCV001422152.6), dbSNP rs2102636059, ClinGen allele CA2573131536.

ClinVar aggregate classification (germline): Pathogenic (1 of 4 stars; one submission).

Submission:

Labcorp Genetics (formerly Invitae), Labcorp
Classification: Pathogenic. Last evaluated: 2020-12-30. Review status: criteria provided, single submitter. Criteria: Invitae Variant Classification Sherloc (09022015). Collection method: clinical testing. Allele origin: germline.
Comment: This sequence change creates a premature translational stop signal (p.Val4949Glufs*4) in the USH2A gene. It is expected to result in an absent or disrupted protein product. Loss-of-function variants in USH2A are known to be pathogenic (PMID: 10729113, 10909849, 20507924, 25649381). This variant is not present in population databases (ExAC no frequency). This variant has not been reported in the literature in individuals with USH2A-related conditions. For these reasons, this variant has been classified as Pathogenic.

Literature cited by the submitters: PubMed 10729113; PubMed 10909849; PubMed 20507924; PubMed 25649381.